The following is an entry in ClinVar:

ClinVar aggregate classification (germline): Conflicting classifications of pathogenicity. Review status: criteria provided, conflicting classifications (1 of 4 stars). 4 submissions from 4 submitters: Uncertain significance (3); Likely benign (1). Last evaluated 2025-12-02.

Conditions:
DOCK8-related disorder. Also called: DOCK8-related condition.
Combined immunodeficiency due to DOCK8 deficiency (HIES2). Also called: Hyper-IgE recurrent infection syndrome, autosomal recessive; HYPER-IgE SYNDROME 2, AUTOSOMAL RECESSIVE, WITH RECURRENT INFECTIONS; HIES autosomal recessive; HYPER-IgE RECURRENT INFECTION SYNDROME 2, AUTOSOMAL RECESSIVE; DOCK8 Deficiency. Identifiers: Orphanet 217390, MedGen C4722305, MONDO:0009478, OMIM 243700.

Allele frequency attached by ClinVar (database versions not stated): gnomAD exomes 0.00005 and 0.00012; ExAC 0.00012; 1000 Genomes Project 0.00020; 1000 Genomes Project 30x 0.00047; gnomAD 0.00058 and 0.00060; TOPMed 0.00070; ESP Exome Variant Server 0.00100.
gnomAD v4.1: 164 of 1,614,222 alleles (0.01%); highest among the groups gnomAD compares: African/African-American, 0.18%; no homozygotes.

Submissions (4):

PreventionGenetics, part of Exact Sciences
Classification: Likely benign for DOCK8-related condition. Last evaluated: 2025-12-02. Review status: criteria provided, single submitter. Criteria: ACMG Guidelines, 2015. Collection method: clinical testing. Allele origin: germline.
Comment: This variant is classified as likely benign based on ACMG/AMP sequence variant interpretation guidelines (Richards et al. 2015 PMID: 25741868, with internal and published modifications).

Blueprint Genetics
Classification: Uncertain significance. Last evaluated: 2024-05-28. Review status: criteria provided, single submitter. Criteria: ACMG Guidelines, 2015. Collection method: clinical testing. Allele origin: germline.

Labcorp Genetics (formerly Invitae), Labcorp
Classification: Uncertain significance for Combined immunodeficiency due to DOCK8 deficiency. Last evaluated: 2022-09-01. Review status: criteria provided, single submitter. Criteria: Invitae Variant Classification Sherloc (09022015). Collection method: clinical testing. Allele origin: germline.
Comment: This sequence change replaces alanine, which is neutral and non-polar, with proline, which is neutral and non-polar, at codon 229 of the DOCK8 protein (p.Ala229Pro). This variant is present in population databases (rs149234127, gnomAD 0.2%). This variant has not been reported in the literature in individuals affected with DOCK8-related conditions. ClinVar contains an entry for this variant (Variation ID: 198296). Algorithms developed to predict the effect of missense changes on protein structure and function are either unavailable or do not agree on the potential impact of this missense change (SIFT: "Tolerated"; PolyPhen-2: "Possibly Damaging"; Align-GVGD: "Class C0"). In summary, the available evidence is currently insufficient to determine the role of this variant in disease. Therefore, it has been classified as a Variant of Uncertain Significance.

Eurofins Ntd Llc (ga)
Classification: Uncertain significance. Last evaluated: 2015-02-24. Review status: criteria provided, single submitter. Criteria: EGL Classification Definitions 2015. Collection method: clinical testing. Allele origin: germline. Observed: 1 variant allele, 1 heterozygote.

NM_203447.4(DOCK8):c.685G>C (p.Ala229Pro)

Gene: DOCK8 (dedicator of cytokinesis 8; plus strand). Cytogenetic location: 9p24.3.
Variant type: single nucleotide variant.
Coding change: c.685G>C on transcript NM_203447.4 (MANE Select); coding-DNA position 685, G replaced by C.
Protein change: p.Ala229Pro; replaces alanine 229 with proline.
Molecular consequence: missense variant.
Genome position (GRCh38, 1-based): chr9:312,110, G>C. VCF-style: chr9-312110-G-C. GRCh37 (hg19) VCF-style: chr9-312110-G-C.
Other names: c.481G>C, p.Ala161Pro (NM_001190458.2, NM_001193536.2); short protein forms A229P, A161P.
Identifiers: ClinVar variation 198296 (VCV000198296.13), dbSNP rs149234127, ClinGen allele CA246855.
Genomic context (GRCh38, chr9:312,110, plus strand): 5'-CGGCTAGAAAACCTCCTGCAGCAAGTGAGTGCCGAGGACTTTGAGAAGCAGAACGAGGAG[G>C]CCCGGAGGACCAATAGGCAGGCCGAGCTCTTTGCCCTTTACCCATCAGTGGACGAGGTGG-3'
Protein context (NP_982272.2, residues 219-239): AEDFEKQNEE[Ala229Pro]RRTNRQAELF